The following is an entry in ClinVar:

NM_006846.4(SPINK5):c.602+1G>T

Gene: SPINK5 (serine peptidase inhibitor Kazal type 5; plus strand). Cytogenetic location: 5q32.
Variant type: single nucleotide variant.
Coding change: c.602+1G>T on transcript NM_006846.4 (MANE Select); the canonical splice donor site of the intron after coding-DNA position 602, G replaced by T.
Molecular consequence: splice donor variant.
Genome position (GRCh38, 1-based): chr5:148,089,622, G>T. VCF-style: chr5-148089622-G-T. GRCh37 (hg19) VCF-style: chr5-147469185-G-T.
Other names: c.602+1G>T (NM_001127698.2, NM_001127699.2).
Identifiers: ClinVar variation 2965380 (VCV002965380.6), dbSNP rs769549131, ClinGen allele CA3495271.

ClinVar aggregate classification (germline): Likely pathogenic. Review status: criteria provided, multiple submitters, no conflicts (2 of 4 stars). 2 submissions from 2 submitters: Likely pathogenic (2). Last evaluated 2023-01-28.

Conditions:
Netherton syndrome (NETH). Also called: ERYTHRODERMA, ICHTHYOSIFORM, WITH HYPOTRICHOSIS AND HYPER-IgE; NETHERTON DISEASE; COMEL-NETHERTON SYNDROME. Identifiers: Orphanet 634, MedGen C5574950, MONDO:0009735, OMIM 256500.
Ichthyosis linearis circumflexa. Identifiers: MedGen C0265962, MONDO:0043106, HP:0025810.

Allele frequency attached by ClinVar (database versions not stated): gnomAD 0.00001; ExAC 0.00002; TOPMed 0.00002.
gnomAD v4.1: 23 of 1,611,616 alleles (0.0014%); highest among the groups gnomAD compares: East Asian, 0.018%; no homozygotes.

Submissions (2):

Labcorp Genetics (formerly Invitae), Labcorp
Classification: Likely pathogenic for Ichthyosis linearis circumflexa. Last evaluated: 2023-01-28. Review status: criteria provided, single submitter. Criteria: Invitae Variant Classification Sherloc (09022015). Collection method: clinical testing. Allele origin: germline.
Comment: This variant is present in population databases (rs769549131, gnomAD 0.02%). This sequence change affects a donor splice site in intron 7 of the SPINK5 gene. It is expected to disrupt RNA splicing. Variants that disrupt the donor or acceptor splice site typically lead to a loss of protein function (PMID: 16199547), and loss-of-function variants in SPINK5 are known to be pathogenic (PMID: 11511292, 11841556). This variant has not been reported in the literature in individuals affected with SPINK5-related conditions. Algorithms developed to predict the effect of sequence changes on RNA splicing suggest that this variant may disrupt the consensus splice site. In summary, the currently available evidence indicates that the variant is pathogenic, but additional data are needed to prove that conclusively. Therefore, this variant has been classified as Likely Pathogenic.

Juno Genomics, Hangzhou Juno Genomics, Inc
Classification: Likely pathogenic for Netherton syndrome. Review status: criteria provided, single submitter. Criteria: ACMG Guidelines, 2015. Collection method: clinical testing. Allele origin: germline.
Comment: Null variant in a gene where loss of function (LOF) is a known mechanism of disease.;Absent from controls (or at extremely low frequency if recessive) in Genome Aggregation Database.

Literature cited by the submitters: PubMed 16199547 (cited by Labcorp Genetics (formerly Invitae), Labcorp); PubMed 11511292 (cited by Labcorp Genetics (formerly Invitae), Labcorp); PubMed 11841556 (cited by Labcorp Genetics (formerly Invitae), Labcorp).